The following is an entry in ClinVar:

ClinVar aggregate classification (germline): Uncertain significance (1 of 4 stars; one submission).

Submission:

GeneDx
Classification: Uncertain significance. Last evaluated: 2026-02-10. Review status: criteria provided, single submitter. Criteria: GeneDx Variant Classification Process June 2021. Collection method: clinical testing. Allele origin: germline.
Comment: In-frame deletion of 3 amino acids in a non-repeat region; In silico analysis does not support a benign or deleterious effect of this variant on protein structure/function; Has not been previously published as pathogenic or benign to our knowledge

NM_001374828.1(ARID1B):c.5586_5594del (p.Asp1862_Asp1864del)

Gene: ARID1B (AT-rich interaction domain 1B; plus strand). Cytogenetic location: 6q25.3.
Variant type: Deletion.
Coding change: c.5586_5594del on transcript NM_001374828.1 (MANE Select); coding-DNA positions 5586 to 5594, 9 bases deleted (TGACGACGA; older notation c.5586_5594delTGACGACGA).
Protein change: p.Asp1862_Asp1864del.
Molecular consequence: inframe deletion.
Genome position (GRCh38, 1-based): chr6:157,206,358-157,206,366, TGACGACGA deleted; deleting any 9 consecutive bases within chr6:157,206,356-157,206,366 gives the same sequence; the c. name uses the placement nearest the transcript's 3' end. VCF-style (leftmost placement, unchanged base first): chr6-157206355-TGATGACGAC-T. GRCh37 (hg19) VCF-style: chr6-157527489-TGATGACGAC-T.
Other names: c.3087_3095del, p.Asp1029_Asp1031del (NM_001363725.2); c.5466_5474del, p.Asp1822_Asp1824del (NM_001371656.1, NM_001374820.1); c.5715_5723del, p.Asp1905_Asp1907del (NM_001438482.1); c.5628_5636del, p.Asp1876_Asp1878del (NM_001438483.1); c.5496_5504del, p.Asp1832_Asp1834del (NM_001438485.1); c.5469_5477del, p.Asp1823_Asp1825del (NM_001438486.1); c.5406_5414del, p.Asp1802_Asp1804del (NM_001438487.1); c.2928_2936del, p.Asp976_Asp978del (NM_001438488.1); and 1 more.
Identifiers: ClinVar variation 4975210 (VCV004975210.1).